The following is an entry in ClinVar:

NM_004370.6(COL12A1):c.2720C>T (p.Ser907Phe)

Gene: COL12A1 (collagen type XII alpha 1 chain; minus strand). Cytogenetic location: 6q13.
Variant type: single nucleotide variant.
Coding change: c.2720C>T on transcript NM_004370.6 (MANE Select); coding-DNA position 2720, C replaced by T.
Protein change: p.Ser907Phe; replaces serine 907 with phenylalanine.
Molecular consequence: missense variant. On other transcripts: intron variant (2).
Genome position (GRCh38, 1-based): chr6:75,165,770, G>A on the plus strand (C>T on the coding strand, the complement: COL12A1 is on the minus strand). VCF-style: chr6-75165770-G-A. GRCh37 (hg19) VCF-style: chr6-75875486-G-A.
Other names: c.2447C>T, p.Ser816Phe (NM_001424115.1); c.74-13288C>T (NM_001424116.1, NM_080645.3); c.2720C>T, p.Ser907Phe (NM_001424113.1, NM_001424114.1); short protein forms S816F, S907F.
Identifiers: ClinVar variation 2948816 (VCV002948816.3), dbSNP rs1341397197, ClinGen allele CA364758885.
Genomic context (GRCh38, chr6:75,165,770, plus strand): 5'-GATGTCCAATAAGCCCCAATTGATGTGTCAGTGATGTCTTTAGTAACTAAATCTTGAGGA[G>A]AACCACGTTCTAGAACAGAAATTAAAAGGGAATCTTTTTTAAAAATGTCTAGTAGGTATT-3'
Protein context (NP_004361.3, residues 897-917): GEGTTLEERG[Ser907Phe]PQDLVTKDIT

ClinVar aggregate classification (germline): Uncertain significance (1 of 4 stars; one submission).

Conditions:
Ullrich congenital muscular dystrophy 2 (UCMD2). Identifiers: Orphanet 75840, MedGen C4225314, MONDO:0014654, OMIM 616470.
Bethlem myopathy 2 (BTHLM2). Identifiers: Orphanet 536516, Orphanet 610, MedGen C4225313, MONDO:0034022, OMIM 616471.

Allele frequency attached by ClinVar (database versions not stated): TOPMed 0.00001; gnomAD 0.00002.
gnomAD v4.1: 7 of 1,613,330 alleles (0.00043%); highest among the groups gnomAD compares: African/African-American, 0.0013%; no homozygotes.

Submission:

Labcorp Genetics (formerly Invitae), Labcorp
Classification: Uncertain significance for Bethlem myopathy 2; Ullrich congenital muscular dystrophy 2. Last evaluated: 2023-06-17. Review status: criteria provided, single submitter. Criteria: Invitae Variant Classification Sherloc (09022015). Collection method: clinical testing. Allele origin: germline.
Comment: This sequence change replaces serine, which is neutral and polar, with phenylalanine, which is neutral and non-polar, at codon 907 of the COL12A1 protein (p.Ser907Phe). This variant is present in population databases (no rsID available, gnomAD 0.0009%). This variant has not been reported in the literature in individuals affected with COL12A1-related conditions. Advanced modeling of protein sequence and biophysical properties (such as structural, functional, and spatial information, amino acid conservation, physicochemical variation, residue mobility, and thermodynamic stability) performed at Invitae indicates that this missense variant is not expected to disrupt COL12A1 protein function. In summary, the available evidence is currently insufficient to determine the role of this variant in disease. Therefore, it has been classified as a Variant of Uncertain Significance.